The following is an entry in ClinVar:

NM_013275.6(ANKRD11):c.376G>C (p.Glu126Gln)

Gene: ANKRD11 (ankyrin repeat domain 11; minus strand). Cytogenetic location: 16q24.3.
Variant type: single nucleotide variant.
Coding change: c.376G>C on transcript NM_013275.6 (MANE Select); coding-DNA position 376, G replaced by C.
Protein change: p.Glu126Gln; replaces glutamic acid 126 with glutamine.
Molecular consequence: missense variant. On other transcripts: non-coding transcript variant (1).
Genome position (GRCh38, 1-based): chr16:89,291,034, C>G on the plus strand (G>C on the coding strand, the complement: ANKRD11 is on the minus strand). VCF-style: chr16-89291034-C-G. GRCh37 (hg19) VCF-style: chr16-89357442-C-G.
Other names: c.376G>C, p.Glu126Gln (NM_001256182.2, NM_001256183.2); short protein forms E126Q.
Identifiers: ClinVar variation 1031768 (VCV001031768.4), dbSNP rs1276607391, ClinGen allele CA397167605.

ClinVar aggregate classification (germline): Conflicting classifications of pathogenicity. Review status: criteria provided, conflicting classifications (1 of 4 stars). 2 submissions from 2 submitters: Uncertain significance (1); Benign (1). Last evaluated 2023-09-14.

Conditions:
KBG syndrome (KBGS). Also called: ANKRD11-Related KBG Syndrome. Identifiers: Orphanet 2332, MedGen C0220687, MONDO:0007846, OMIM 148050.

Allele frequency attached by ClinVar (database versions not stated): TOPMed 0.00002.
gnomAD v4.1: 7 of 1,612,192 alleles (0.00043%); highest among the groups gnomAD compares: Non-Finnish European, 0.00059%; no homozygotes.

Submissions (2):

Labcorp Genetics (formerly Invitae), Labcorp
Classification: Benign for KBG syndrome. Last evaluated: 2023-09-14. Review status: criteria provided, single submitter. Criteria: Invitae Variant Classification Sherloc (09022015). Collection method: clinical testing. Allele origin: germline.

Baylor Genetics
Classification: Uncertain significance for KBG syndrome. Last evaluated: 2018-02-21. Review status: criteria provided, single submitter. Criteria: ACMG Guidelines, 2015. Collection method: clinical testing. Allele origin: maternal. Affected: yes.
Comment: This variant was determined to be of uncertain significance according to ACMG Guidelines, 2015 [PMID:25741868].